The following is an entry in ClinVar:

ClinVar aggregate classification (germline): Likely benign (0 of 4 stars; one submission).

Conditions:
Intellectual developmental disorder 60 with seizures. Also called: MENTAL RETARDATION, AUTOSOMAL DOMINANT 60, WITH SEIZURES; INTELLECTUAL DEVELOPMENTAL DISORDER, AUTOSOMAL DOMINANT 60, WITH SEIZURES. Identifiers: MedGen C5231497, MONDO:0032823, OMIM 618587.

Submission:

Institute of Human Genetics, University of Goettingen
Classification: Likely benign for Intellectual developmental disorder 60 with seizures. Last evaluated: 2021-09-22. Review status: no assertion criteria provided. Collection method: clinical testing. Allele origin: maternal. Inheritance: Sporadic. Affected: yes.

NM_004068.4(AP2M1):c.529G>T (p.Val177Leu)

Gene: AP2M1 (adaptor related protein complex 2 subunit mu 1; plus strand). Cytogenetic location: 3q27.1.
Variant type: single nucleotide variant.
Coding change: c.529G>T on transcript NM_004068.4 (MANE Select); coding-DNA position 529, G replaced by T.
Protein change: p.Val177Leu; replaces valine 177 with leucine.
Molecular consequence: missense variant.
Genome position (GRCh38, 1-based): chr3:184,180,948, G>T. VCF-style: chr3-184180948-G-T. GRCh37 (hg19) VCF-style: chr3-183898736-G-T.
Other names: c.523G>T, p.Val175Leu (NM_001025205.2); c.604G>T, p.Val202Leu (NM_001311198.2); short protein forms V175L, V177L, V202L.
Identifiers: ClinVar variation 1283914 (VCV001283914.3), dbSNP rs2109031049, ClinGen allele CA355424481.
Genomic context (GRCh38, chr3:184,180,948, plus strand): 5'-GGGCAGATTGGCTGGCGGCGAGAGGGTATCAAGTATCGTCGGAATGAGCTCTTCCTGGAT[G>T]TGCTGGAGAGTGTGAACCTGCTCATGTCCCCACAAGGTGAGGTCCCTCTCACGACAAAGT-3'
Protein context (NP_004059.2, residues 167-187): KYRRNELFLD[Val177Leu]LESVNLLMSP